The following is an entry in ClinVar:

NM_001386140.1(MTTP):c.917del (p.Glu306fs)

Gene: MTTP (microsomal triglyceride transfer protein; plus strand). Cytogenetic location: 4q23.
Variant type: Deletion.
Coding change: c.917del on transcript NM_001386140.1 (MANE Select); coding-DNA position 917, one base deleted (A; older notation c.917delA).
Protein change: p.Glu306fs; shifts the reading frame from glutamic acid 306.
Molecular consequence: frameshift variant.
Genome position (GRCh38, 1-based): chr4:99,597,074, A deleted. VCF-style (leftmost placement, unchanged base first): chr4-99597073-GA-G. GRCh37 (hg19) VCF-style: chr4-100518230-GA-G.
Other names: c.917del, p.Glu306fs (NM_000253.4); c.668del, p.Glu223fs (NM_001300785.2); short protein forms E223fs, E306fs.
Identifiers: ClinVar variation 5015379 (VCV005015379.1).

ClinVar aggregate classification (germline): Pathogenic (1 of 4 stars; one submission).

Conditions:
Abetalipoproteinaemia (ABL). Also called: MTP DEFICIENCY; Abetalipoproteinemia; Abetalipoproteinemia neuropathy; Apolipoprotein B deficiency; Congenital betalipoprotein deficiency syndrome. Identifiers: Orphanet 14, MedGen C0000744, MONDO:0008692, OMIM 200100, HP:0008181.

Submission:

Myriad Genetics, Inc.
Classification: Pathogenic for Abetalipoproteinaemia. Last evaluated: 2026-01-01. Review status: criteria provided, single submitter. Criteria: Myriad Autosomal Dominant, Autosomal Recessive and X-Linked Classification Criteria (2023). Collection method: clinical testing. Allele origin: unknown.
Comment: NM_000253.2(MTTP):c.917delA(E306Gfs*43) is expected to be pathogenic in the context of abetalipoproteinemia. This variant is predicted to lead to an abnormal or absent protein product due to the creation of a premature termination codon in MTTP, a gene where loss-of-function variants are known to be pathogenic. Please note: this variant was assessed in the context of healthy population screening.